The following is an entry in ClinVar:

ClinVar aggregate classification (germline): Likely pathogenic (1 of 4 stars; one submission).

Conditions:
Progressive muscular dystrophy. Identifiers: Orphanet 206644, MedGen C4551827, MONDO:0016106.

Submission:

Myriad Genetics, Inc.
Classification: Likely pathogenic for Progressive muscular dystrophy. Last evaluated: 2019-06-12. Review status: criteria provided, single submitter. Criteria: Myriad Autosomal Dominant, Autosomal Recessive and X-Linked Classification Criteria (2023). Collection method: clinical testing. Allele origin: unknown.
Comment: NM_004006.2(DMD):c.3059C>A(S1020*) is expected to be pathogenic in the context of dystrophinopathy (including Duchenne/Becker muscular dystrophy). This variant is predicted to lead to an abnormal or absent protein product due to the creation of a premature termination codon in DMD, a gene where loss-of-function variants are known to be pathogenic. Please note: this variant was assessed in the context of healthy population screening.

NM_004006.3(DMD):c.3059C>A (p.Ser1020Ter)

Gene: DMD (dystrophin; minus strand). Cytogenetic location: Xp21.1.
Variant type: single nucleotide variant.
Coding change: c.3059C>A on transcript NM_004006.3 (MANE Select); coding-DNA position 3059, C replaced by A.
Protein change: p.Ser1020Ter; replaces serine 1020 with a stop codon.
Molecular consequence: nonsense.
Genome position (GRCh38, 1-based): chrX:32,468,601, G>T on the plus strand (C>A on the coding strand, the complement: DMD is on the minus strand). VCF-style: chrX-32468601-G-T. GRCh37 (hg19) VCF-style: chrX-32486718-G-T.
Other names: c.3035C>A, p.Ser1012Ter (NM_000109.4); c.3047C>A, p.Ser1016Ter (NM_004009.3); c.2690C>A, p.Ser897Ter (NM_004010.3); short protein forms S1012*, S1016*, S1020*, S897*.
Identifiers: ClinVar variation 984109 (VCV000984109.4), dbSNP rs398123919, ClinGen allele CA412666958.